The following is an entry in ClinVar:

ClinVar aggregate classification (germline): Pathogenic (1 of 4 stars; one submission).

Conditions:
Ehlers-Danlos syndrome due to tenascin-X deficiency (EDSCLL1). Also called: EDS DUE TO TNX DEFICIENCY; TNX DEFICIENCY; EHLERS-DANLOS SYNDROME, CLASSIC-LIKE; Ehlers-Danlos syndrome, classic-like, 1; TNXB-Related Classical-Like Ehlers-Danlos Syndrome. Identifiers: Orphanet 230839, MedGen C1848029, MONDO:0011670, OMIM 606408.

Submission:

Women's Health and Genetics/Laboratory Corporation of America, LabCorp
Classification: Pathogenic for Ehlers-Danlos syndrome due to tenascin-X deficiency. Last evaluated: 2024-09-10. Review status: criteria provided, single submitter. Criteria: LabCorp Variant Classification Summary - May 2015. Collection method: clinical testing. Allele origin: germline.
Comment: Variant summary: TNXB c.10436dupT (p.Gln3480ProfsX71) results in a premature termination codon, predicted to cause a truncation of the encoded protein or absence of the protein due to nonsense mediated decay, which are commonly known mechanisms for disease. The variant was absent in 244018 control chromosomes. To our knowledge, no occurrence of c.10436dupT in individuals affected with Ehlers-Danlos-like syndrome and no experimental evidence demonstrating its impact on protein function have been reported. No submitters have cited clinical-significance assessments for this variant to ClinVar. Based on the evidence outlined above, the variant was classified as pathogenic.

NM_001365276.2(TNXB):c.10442dup (p.Gln3482fs)

Gene: TNXB (tenascin XB; minus strand). Cytogenetic location: 6p21.33.
Variant type: Duplication.
Coding change: c.10442dup on transcript NM_001365276.2 (MANE Select); coding-DNA position 10442, one base duplicated (T; older notation c.10442dupT).
Protein change: p.Gln3482fs; shifts the reading frame from glutamine 3482.
Molecular consequence: frameshift variant.
Genome position (GRCh38, 1-based): chr6:32,046,339, A duplicated on the plus strand (T on the coding strand, the reverse complement: TNXB is on the minus strand). VCF-style (leftmost placement, unchanged base first): chr6-32046338-G-GA. GRCh37 (hg19) VCF-style: chr6-32014115-G-GA.
Other names: c.11183dup, p.Gln3729fs (NM_001428335.1); c.10436dup, p.Gln3480fs (NM_019105.8); c.10436dupT (NM_019105.8); short protein forms Q3480fs, Q3482fs, Q3729fs.
Identifiers: ClinVar variation 3374955 (VCV003374955.1).